The following is an entry in ClinVar:

NM_001134363.3(RBM20):c.3588G>A (p.Gln1196=)

Gene: RBM20 (RNA binding motif protein 20; plus strand). Cytogenetic location: 10q25.2.
Variant type: single nucleotide variant.
Coding change: c.3588G>A on transcript NM_001134363.3 (MANE Select); coding-DNA position 3588, G replaced by A.
Protein change: p.Gln1196=; no amino-acid change (glutamine 1196 retained).
Molecular consequence: synonymous variant.
Genome position (GRCh38, 1-based): chr10:110,835,882, G>A. VCF-style: chr10-110835882-G-A. GRCh37 (hg19) VCF-style: chr10-112595640-G-A.
Other names: c.3588G>A (LRG_382t1).
Identifiers: ClinVar variation 506477 (VCV000506477.1), dbSNP rs1554844949, ClinGen allele CA471370742.

ClinVar aggregate classification (germline): Likely benign (1 of 4 stars; one submission).

gnomAD v4.1: 1 of 1,550,580 alleles (0.000064%); highest among the groups gnomAD compares: Non-Finnish European, 0.000087%; no homozygotes.

Submission:

GeneDx
Classification: Likely benign. Last evaluated: 2017-01-18. Review status: criteria provided, single submitter. Criteria: GeneDx Variant Classification (06012015). Collection method: clinical testing. Allele origin: germline. Affected: yes.
Comment: This variant is considered likely benign or benign based on one or more of the following criteria: it is a conservative change, it occurs at a poorly conserved position in the protein, it is predicted to be benign by multiple in silico algorithms, and/or has population frequency not consistent with disease.